The following is an entry in ClinVar:

ClinVar aggregate classification (germline): Pathogenic/Likely pathogenic. Review status: criteria provided, multiple submitters, no conflicts (2 of 4 stars). 3 submissions from 3 submitters: Pathogenic (2); Likely pathogenic (1). Last evaluated 2025-01-22.

Conditions:
Familial X-linked hypophosphatemic vitamin D refractory rickets (XLHRD). Also called: X-Linked Hypophosphatemia; Hypophosphatemic Rickets, X-Linked Dominant; HYPOPHOSPHATEMIC VITAMIN D-RESISTANT RICKETS; Hypophosphatemia, vitamin D-resistant rickets; Vitamin D-resistant rickets, X-linked. Identifiers: Orphanet 89936, MedGen C0733682, MONDO:0010619, OMIM 307800.

Submissions (3):

Women's Health and Genetics/Laboratory Corporation of America, LabCorp
Classification: Pathogenic for Familial X-linked hypophosphatemic vitamin D refractory rickets. Last evaluated: 2025-01-22. Review status: criteria provided, single submitter. Criteria: LabCorp Variant Classification Summary - May 2015. Collection method: clinical testing. Allele origin: germline.
Comment: Variant summary: PHEX c.1302+1G>T is located in a canonical splice-site and is predicted to affect mRNA splicing resulting in a significantly altered protein due to either exon skipping, shortening, or inclusion of intronic material. Variants that disrupt the consensus splice site are a relatively common cause of aberrant splicing and loss of PHEX function. Several computational tools predict a significant impact on normal splicing: Three predict the variant abolishes a 5' splicing donor site. However, these predictions have yet to be confirmed by functional studies. The variant was absent in 183081 control chromosomes (gnomAD). c.1302+1G>T has been reported in the literature in individuals affected with X-Linked Hypophosphatemic Rickets (Rowe_1997). To our knowledge, no experimental evidence demonstrating an impact on protein function has been reported. The following publications have been ascertained in the context of this evaluation (PMID: 9097956, 34806794, 30682568, 32253725). ClinVar contains an entry for this variant (Variation ID: 430227). Based on the evidence outlined above, the variant was classified as pathogenic.

Labcorp Genetics (formerly Invitae), Labcorp
Classification: Pathogenic. Last evaluated: 2023-10-11. Review status: criteria provided, single submitter. Criteria: Invitae Variant Classification Sherloc (09022015). Collection method: clinical testing. Allele origin: germline.
Comment: This sequence change affects a donor splice site in intron 11 of the PHEX gene. It is expected to disrupt RNA splicing. Variants that disrupt the donor or acceptor splice site typically lead to a loss of protein function (PMID: 16199547), and loss-of-function variants in PHEX are known to be pathogenic (PMID: 9097956, 9106524, 19219621). This variant is not present in population databases (gnomAD no frequency). Disruption of this splice site has been observed in individual(s) with hypophosphatemic rickets (PMID: 9097956, 32253725). In at least one individual the variant was observed to be de novo. This variant is also known as ATG/gt→ATG/tt at nt site 1303. ClinVar contains an entry for this variant (Variation ID: 430227). Algorithms developed to predict the effect of sequence changes on RNA splicing suggest that this variant may disrupt the consensus splice site. For these reasons, this variant has been classified as Pathogenic.

GeneDx
Classification: Likely pathogenic. Last evaluated: 2016-06-07. Review status: criteria provided, single submitter. Criteria: GeneDx Variant Classification (06012015). Collection method: clinical testing. Allele origin: germline. Affected: yes.
Comment: The c.1302+1 G>T splice site variant in the PHEX gene has been previously reported using alternate nomenclature as c.1303 G>T in association with hypophosphatemic rickets (Rowe et al., 1997). This variant destroys the canonical splice donor site in intron 11, and is expected to cause abnormal gene splicing. However, the adjacent exon 11 remains in-frame, and in the absence of RNA/functional studies, the actual effect of this sequence change in this individual is unknown. The variant was not observed in approximately 6,500 individuals of European and African American ancestry in the NHLBI Exome Sequencing Project, indicating it is not a common benign variant in these populations. Additionally, another splice donor site variant at the same position (c.1302+1 G>A) has been reported in the Human Gene Mutation Database in association with hypophosphatemic rickets (Stenson et al., 2014). Therefore, this variant is likely pathogenic; however, the possibility that it is benign cannot be excluded.

Literature cited by the submitters: PubMed 9097956 (cited by Women's Health and Genetics/Laboratory Corporation of America, LabCorp and Labcorp Genetics (formerly Invitae), Labcorp); PubMed 34806794 (cited by Women's Health and Genetics/Laboratory Corporation of America, LabCorp); PubMed 30682568 (cited by Women's Health and Genetics/Laboratory Corporation of America, LabCorp); PubMed 32253725 (cited by Women's Health and Genetics/Laboratory Corporation of America, LabCorp and Labcorp Genetics (formerly Invitae), Labcorp); PubMed 16199547 (cited by Labcorp Genetics (formerly Invitae), Labcorp); PubMed 9106524 (cited by Labcorp Genetics (formerly Invitae), Labcorp); PubMed 19219621 (cited by Labcorp Genetics (formerly Invitae), Labcorp).

NM_000444.6(PHEX):c.1302+1G>T

Gene: PHEX (phosphate regulating endopeptidase X-linked; plus strand). Cytogenetic location: Xp22.11.
Variant type: single nucleotide variant.
Coding change: c.1302+1G>T on transcript NM_000444.6 (MANE Select); the canonical splice donor site of the intron after coding-DNA position 1302, G replaced by T.
Molecular consequence: splice donor variant.
Genome position (GRCh38, 1-based): chrX:22,114,587, G>T. VCF-style: chrX-22114587-G-T. GRCh37 (hg19) VCF-style: chrX-22132705-G-T.
Other names: c.1302+1G>T (NM_001282754.2).
Identifiers: ClinVar variation 430227 (VCV000430227.6), dbSNP rs1131691841, ClinGen allele CA412573820.